The following is an entry in ClinVar:

NM_024675.4(PALB2):c.152C>T (p.Thr51Ile)

Gene: PALB2 (partner and localizer of BRCA2; minus strand). Cytogenetic location: 16p12.2.
Variant type: single nucleotide variant.
Coding change: c.152C>T on transcript NM_024675.4 (MANE Select); coding-DNA position 152, C replaced by T.
Protein change: p.Thr51Ile; replaces threonine 51 with isoleucine.
Molecular consequence: missense variant. On other transcripts: 5 prime UTR variant (8), intron variant (3).
Genome position (GRCh38, 1-based): chr16:23,637,909, G>A on the plus strand (C>T on the coding strand, the complement: PALB2 is on the minus strand). VCF-style: chr16-23637909-G-A. GRCh37 (hg19) VCF-style: chr16-23649230-G-A.
Other names: c.92C>T, p.Thr31Ile (NM_001407296.1); c.152C>T, p.Thr51Ile (NM_001407297.1, NM_001407298.1, NM_001407299.1 and 3 more transcripts); c.-734C>T (NM_001407304.1, NM_001407305.1, NM_001407306.1 and 5 more transcripts); c.48+3201C>T (NM_001407314.1); c.-105+3201C>T (NM_001407313.1, NM_001407312.1); short protein forms T31I, T51I.
Identifiers: ClinVar variation 4861490 (VCV004861490.1).

ClinVar aggregate classification (germline): Uncertain significance (1 of 4 stars; one submission).

Conditions:
Hereditary cancer-predisposing syndrome. Also called: Neoplastic Syndromes, Hereditary; Tumor predisposition; Hereditary Cancer Syndrome; Hereditary neoplastic syndrome. Identifiers: Orphanet 140162, MedGen C0027672, MeSH D009386, MONDO:0015356.

Submission:

Ambry Genetics
Classification: Uncertain significance for Hereditary cancer-predisposing syndrome. Last evaluated: 2026-04-28. Review status: criteria provided, single submitter. Criteria: Ambry Variant Classification Scheme 2023. Collection method: clinical testing. Allele origin: germline.
Comment: The p.T51I variant (also known as c.152C>T), located in coding exon 3 of the PALB2 gene, results from a C to T substitution at nucleotide position 152. The threonine at codon 51 is replaced by isoleucine, an amino acid with similar properties. This amino acid position is not well conserved in available vertebrate species. In addition, this alteration is predicted to be tolerated by in silico analysis. Based on the available evidence, the clinical significance of this variant remains unclear.